The following is an entry in ClinVar:

ClinVar aggregate classification (germline): not provided (0 of 4 stars; one submission).

Allele frequency attached by ClinVar (database versions not stated): 1000 Genomes Project 0.00160; gnomAD 0.00189 and 0.00208; TOPMed 0.00201; 1000 Genomes Project 30x 0.00219.
gnomAD v4.1: 286 of 152,208 alleles (0.19%); highest among the groups gnomAD compares: African/African-American, 0.66%; 3 homozygotes.

Submission:

Human Evolutionary Genetics, Institut Pasteur
No classification provided. Review status: no classification provided. Collection method: not provided. Allele origin: germline.
ClinVar note: Converted during submission from untested to not provided.

NM_017852.5(NLRP2):c.2201+215C>A

Gene: NLRP2 (NLR family pyrin domain containing 2; plus strand). Cytogenetic location: 19q13.42.
Variant type: single nucleotide variant.
Coding change: c.2201+215C>A on transcript NM_017852.5 (MANE Select); 215 bases into the intron after coding-DNA position 2201, C replaced by A.
Molecular consequence: intron variant.
Genome position (GRCh38, 1-based): chr19:54,985,432, C>A. VCF-style: chr19-54985432-C-A. GRCh37 (hg19) VCF-style: chr19-55496800-C-A.
Other names: c.2201+215C>A (NM_001174081.3); c.2192+215C>A (NM_001348003.2); c.2135+215C>A (NM_001174082.3); c.2132+215C>A (NM_001174083.2).
Identifiers: ClinVar variation 103053 (VCV000103053.2), dbSNP rs199475719, ClinGen allele CA230034.
Genomic context (GRCh38, chr19:54,985,432, plus strand): 5'-TAATCGTATAAAGTAATTTCTAGGGGCTGGGCATGGTGGTTCACACTTGTAATTCCAACA[C>A]TTCGGGAGGCCGAGGCAGACAGATCACTTGAGGTCAGGAGTTCGAGACCAGCCTGGCCAA-3'